The following is an entry in ClinVar:

NM_001044.5(SLC6A3):c.1527G>C (p.Gln509His)

Gene: SLC6A3 (solute carrier family 6 member 3). Cytogenetic location: 5p15.33.
Variant type: single nucleotide variant.
Coding change: c.1527G>C on transcript NM_001044.5 (MANE Select); coding-DNA position 1527, G replaced by C.
Protein change: p.Gln509His; replaces glutamine 509 with histidine.
Molecular consequence: missense variant.
Genome position (GRCh38, 1-based): chr5:1,406,260, C>G on the plus strand (G>C on the coding strand, the complement: SLC6A3 is on the minus strand). VCF-style: chr5-1406260-C-G. GRCh37 (hg19) VCF-style: chr5-1406375-C-G.
Other names: short protein forms Q509H.
Identifiers: ClinVar variation 1430119 (VCV001430119.6), dbSNP rs6880875, ClinGen allele CA359076013.

ClinVar aggregate classification (germline): Uncertain significance (1 of 4 stars; one submission).

Conditions:
Parkinsonism-dystonia, infantile. Identifiers: Orphanet 238455, MedGen C2751067, MONDO:0013150.

Submission:

Labcorp Genetics (formerly Invitae), Labcorp
Classification: Uncertain significance for Parkinsonism-dystonia, infantile. Last evaluated: 2021-08-07. Review status: criteria provided, single submitter. Criteria: Invitae Variant Classification Sherloc (09022015). Collection method: clinical testing. Allele origin: germline.
Comment: In summary, the available evidence is currently insufficient to determine the role of this variant in disease. Therefore, it has been classified as a Variant of Uncertain Significance. Algorithms developed to predict the effect of missense changes on protein structure and function are either unavailable or do not agree on the potential impact of this missense change (SIFT: "Deleterious"; PolyPhen-2: "Benign"; Align-GVGD: "Class C0"). This variant has not been reported in the literature in individuals affected with SLC6A3-related conditions. This variant is not present in population databases (ExAC no frequency). This sequence change replaces glutamine with histidine at codon 509 of the SLC6A3 protein (p.Gln509His). The glutamine residue is weakly conserved and there is a small physicochemical difference between glutamine and histidine.